The following is an entry in ClinVar:

ClinVar aggregate classification (germline): Uncertain significance (1 of 4 stars; one submission).

Submission:

GeneDx
Classification: Uncertain significance. Last evaluated: 2022-10-27. Review status: criteria provided, single submitter. Criteria: GeneDx Variant Classification Process June 2021. Collection method: clinical testing. Allele origin: germline. Affected: yes.
Comment: Not observed at significant frequency in large population cohorts (gnomAD); In silico analysis supports that this missense variant has a deleterious effect on protein structure/function; Has not been previously published as pathogenic or benign to our knowledge; This variant is associated with the following publications: (PMID: 22193777)

NM_024675.4(PALB2):c.1279G>A (p.Ala427Thr)

Gene: PALB2 (partner and localizer of BRCA2; minus strand). Cytogenetic location: 16p12.2.
Variant type: single nucleotide variant.
Coding change: c.1279G>A on transcript NM_024675.4 (MANE Select); coding-DNA position 1279, G replaced by A.
Protein change: p.Ala427Thr; replaces alanine 427 with threonine.
Molecular consequence: missense variant. On other transcripts: intron variant (3).
Genome position (GRCh38, 1-based): chr16:23,635,267, C>T on the plus strand (G>A on the coding strand, the complement: PALB2 is on the minus strand). VCF-style: chr16-23635267-C-T. GRCh37 (hg19) VCF-style: chr16-23646588-C-T.
Other names: c.1219G>A, p.Ala407Thr (NM_001407296.1); c.1279G>A, p.Ala427Thr (NM_001407297.1, NM_001407298.1, NM_001407299.1 and 3 more transcripts); c.394G>A, p.Ala132Thr (NM_001407304.1, NM_001407305.1, NM_001407306.1 and 5 more transcripts); c.48+5843G>A (NM_001407314.1); c.-104-4798G>A (NM_001407313.1, NM_001407312.1); short protein forms A132T, A407T, A427T.
Identifiers: ClinVar variation 2500524 (VCV002500524.1), dbSNP rs2142420634, ClinGen allele CA395132596.